The following is an entry in ClinVar:

NM_003070.5(SMARCA2):c.4195G>C (p.Asp1399His)

Gene: SMARCA2 (SWI/SNF related BAF chromatin remodeling complex subunit ATPase 2; plus strand). Cytogenetic location: 9p24.3.
Variant type: single nucleotide variant.
Coding change: c.4195G>C on transcript NM_003070.5 (MANE Select); coding-DNA position 4195, G replaced by C.
Protein change: p.Asp1399His; replaces aspartic acid 1399 with histidine.
Molecular consequence: missense variant.
Genome position (GRCh38, 1-based): chr9:2,161,899, G>C. VCF-style: chr9-2161899-G-C. GRCh37 (hg19) VCF-style: chr9-2161899-G-C.
Other names: c.4195G>C, p.Asp1399His (NM_001289396.2, NM_139045.4); c.4021G>C, p.Asp1341His (NM_001289397.2); c.223G>C, p.Asp75His (NM_001289398.2); c.307G>C, p.Asp103His (NM_001289399.2); c.313G>C, p.Asp105His (NM_001289400.2); short protein forms D103H, D1399H, D1341H, D75H, D105H.
Identifiers: ClinVar variation 3781225 (VCV003781225.1).

ClinVar aggregate classification (germline): Uncertain significance (1 of 4 stars; one submission).

Submission:

GeneDx
Classification: Uncertain significance. Last evaluated: 2024-10-18. Review status: criteria provided, single submitter. Criteria: GeneDx Variant Classification Process June 2021. Collection method: clinical testing. Allele origin: germline. Affected: yes.
Comment: Not observed at significant frequency in large population cohorts (gnomAD); In silico analysis supports that this missense variant has a deleterious effect on protein structure/function; Has not been previously published as pathogenic or benign to our knowledge